The following is an entry in ClinVar:

NM_001903.5(CTNNA1):c.1258G>A (p.Ala420Thr)

Gene: CTNNA1 (catenin alpha 1; plus strand). Cytogenetic location: 5q31.2.
Variant type: single nucleotide variant.
Coding change: c.1258G>A on transcript NM_001903.5 (MANE Select); coding-DNA position 1258, G replaced by A.
Protein change: p.Ala420Thr; replaces alanine 420 with threonine.
Molecular consequence: missense variant. On other transcripts: 5 prime UTR variant (5), intron variant (2).
Genome position (GRCh38, 1-based): chr5:138,887,604, G>A. VCF-style: chr5-138887604-G-A. GRCh37 (hg19) VCF-style: chr5-138223293-G-A.
Other names: c.1258G>A, p.Ala420Thr (NM_001290307.3, NM_001323982.2, NM_001323983.1 and 3 more transcripts); c.949G>A, p.Ala317Thr (NM_001290309.3); c.889G>A, p.Ala297Thr (NM_001290310.3); c.148G>A, p.Ala50Thr (NM_001290312.1, NM_001323987.1, NM_001323988.1 and 18 more transcripts); c.-250G>A (NM_001324006.1, NM_001324007.1, NM_001324008.1 and 1 more transcripts); c.-125G>A (NM_001324013.1); c.-58+12007G>A (NM_001324012.1); c.-61+12007G>A (NM_001324010.1); and 1 more; short protein forms A50T, A297T, A317T, A420T.
Identifiers: ClinVar variation 2814446 (VCV002814446.4), dbSNP rs2150032834, ClinGen allele CA361133190.
Genomic context (GRCh38, chr5:138,887,604, plus strand): 5'-CCACTTTTGGTATTGATTGAAGCTGCAAAGAATGGAAATGAGAAAGAAGTTAAGGAGTAT[G>A]CCCAAGTTTTCCGTGAACATGCCAACAAATTGATTGAGGTAAGTGAATTAGCAGTTTCAT-3'
Protein context (NP_001894.2, residues 410-430): NGNEKEVKEY[Ala420Thr]QVFREHANKL

ClinVar aggregate classification (germline): Uncertain significance. Review status: criteria provided, multiple submitters, no conflicts (2 of 4 stars). 2 submissions from 2 submitters: Uncertain significance (2). Last evaluated 2024-10-21.

Conditions:
Hereditary cancer-predisposing syndrome. Also called: Tumor predisposition; Hereditary Cancer Syndrome; Hereditary neoplastic syndrome; Neoplastic Syndromes, Hereditary. Identifiers: Orphanet 140162, MedGen C0027672, MeSH D009386, MONDO:0015356.

Submissions (2):

Labcorp Genetics (formerly Invitae), Labcorp
Classification: Uncertain significance. Last evaluated: 2024-10-21. Review status: criteria provided, single submitter. Criteria: Invitae Variant Classification Sherloc (09022015). Collection method: clinical testing. Allele origin: germline.
Comment: This sequence change replaces alanine, which is neutral and non-polar, with threonine, which is neutral and polar, at codon 420 of the CTNNA1 protein (p.Ala420Thr). This variant is not present in population databases (gnomAD no frequency). This variant has not been reported in the literature in individuals affected with CTNNA1-related conditions. Invitae Evidence Modeling of protein sequence and biophysical properties (such as structural, functional, and spatial information, amino acid conservation, physicochemical variation, residue mobility, and thermodynamic stability) indicates that this missense variant is not expected to disrupt CTNNA1 protein function with a negative predictive value of 80%. In summary, the available evidence is currently insufficient to determine the role of this variant in disease. Therefore, it has been classified as a Variant of Uncertain Significance.

Ambry Genetics
Classification: Uncertain significance for Hereditary cancer-predisposing syndrome. Last evaluated: 2024-01-07. Review status: criteria provided, single submitter. Criteria: Ambry Variant Classification Scheme 2023. Collection method: clinical testing. Allele origin: germline.
Comment: The p.A420T variant (also known as c.1258G>A), located in coding exon 8 of the CTNNA1 gene, results from a G to A substitution at nucleotide position 1258. The alanine at codon 420 is replaced by threonine, an amino acid with similar properties. This amino acid position is conserved. In addition, this alteration is predicted to be deleterious by in silico analysis. Since supporting evidence is limited at this time, the clinical significance of this alteration remains unclear.